The following is an entry in ClinVar:

NM_001042492.3(NF1):c.5745G>T (p.Leu1915=)

Gene: NF1 (neurofibromin 1; plus strand). Cytogenetic location: 17q11.2.
Variant type: single nucleotide variant.
Coding change: c.5745G>T on transcript NM_001042492.3 (MANE Select); coding-DNA position 5745, G replaced by T.
Protein change: p.Leu1915=; no amino-acid change (leucine 1915 retained).
Molecular consequence: synonymous variant.
Genome position (GRCh38, 1-based): chr17:31,330,431, G>T. VCF-style: chr17-31330431-G-T. GRCh37 (hg19) VCF-style: chr17-29657449-G-T.
Other names: c.5682G>T, p.Leu1894= (NM_000267.4).
Identifiers: ClinVar variation 457761 (VCV000457761.39), dbSNP rs1234091349, ClinGen allele CA499233513.
Genomic context (GRCh38, chr17:31,330,431, plus strand): 5'-ATCAGGTTTATGTATCCCTGCCAACAACACCCTCTTTATTGTCTCTATTAGTAAGACACT[G>T]GCAGCCAATGAGCCACACCTCACGTTAGAATTTTTGGAAGAGTGTATTTCTGGATTTAGC-3'
Protein context (NP_001035957.1, residues 1905-1925): TLFIVSISKT[Leu1915=]AANEPHLTLE

ClinVar aggregate classification (germline): Benign/Likely benign. Review status: criteria provided, multiple submitters, no conflicts (2 of 4 stars). 6 submissions from 6 submitters: Benign (1); Likely benign (5). Last evaluated 2026-05-20.

Conditions:
Neurofibromatosis, type 1 (NF1). Also called: Neurofibromatosis, type I; NEUROFIBROMATOSIS, TYPE I, SOMATIC; Peripheral type neurofibromatosis; VON RECKLINGHAUSEN DISEASE. Identifiers: Orphanet 636, MedGen C0027831, MONDO:0018975, OMIM 162200. Disease mechanism: loss of function.
NF1-related disorder. Also called: NF1-related condition. Identifiers: MedGen CN379171.
Hereditary cancer-predisposing syndrome. Also called: Hereditary neoplastic syndrome; Neoplastic Syndromes, Hereditary; Hereditary Cancer Syndrome; Tumor predisposition. Identifiers: Orphanet 140162, MedGen C0027672, MeSH D009386, MONDO:0015356.
Cardiovascular phenotype. Identifiers: MedGen CN230736.

Allele frequency attached by ClinVar (database versions not stated): gnomAD exomes below 0.00001 and 0.00001.
gnomAD v4.1: 1 of 1,613,798 alleles (0.000062%); highest among the groups gnomAD compares: Non-Finnish European, 0.000085%; no homozygotes.

Submissions (6):

Myriad Genetics, Inc.
Classification: Benign for Neurofibromatosis, type 1. Last evaluated: 2026-05-20. Review status: criteria provided, single submitter. Criteria: Myriad Autosomal Dominant, Autosomal Recessive and X-Linked Classification Criteria (2023). Collection method: clinical testing. Allele origin: unknown.
Comment: This variant is considered benign. This variant is a silent/synonymous amino acid change and it is not expected to impact splicing.

Labcorp Genetics (formerly Invitae), Labcorp
Classification: Likely benign for Neurofibromatosis, type 1. Last evaluated: 2025-11-09. Review status: criteria provided, single submitter. Criteria: Invitae Variant Classification Sherloc (09022015). Collection method: clinical testing. Allele origin: germline.

PreventionGenetics, part of Exact Sciences
Classification: Likely benign for NF1-related condition. Last evaluated: 2025-08-04. Review status: criteria provided, single submitter. Criteria: ACMG Guidelines, 2015. Collection method: clinical testing. Allele origin: germline.
Comment: This variant is classified as likely benign based on ACMG/AMP sequence variant interpretation guidelines (Richards et al. 2015 PMID: 25741868, with internal and published modifications).

CeGaT Center for Human Genetics Tuebingen
Classification: Likely benign. Last evaluated: 2023-01-01. Review status: criteria provided, single submitter. Criteria: CeGaT Center For Human Genetics Tuebingen Variant Classification Criteria Version 2. Collection method: clinical testing. Allele origin: germline. Affected: yes. Observed: 1 variant allele.
Comment: NF1: BP4, BP7

Genome-Nilou Lab
Classification: Likely benign for Neurofibromatosis, type 1. Last evaluated: 2022-03-15. Review status: criteria provided, single submitter. Criteria: ACMG Guidelines, 2015. Collection method: clinical testing. Allele origin: germline. Affected: no.

Ambry Genetics
Classification: Likely benign for Cardiovascular phenotype; Hereditary cancer-predisposing syndrome. Last evaluated: 2017-12-14. Review status: criteria provided, single submitter. Criteria: Ambry Variant Classification Scheme 2023. Collection method: clinical testing. Allele origin: germline.